The following is an entry in ClinVar:

NM_001164508.2(NEB):c.5032A>C (p.Asn1678His)

Gene: NEB (nebulin; minus strand). Cytogenetic location: 2q23.3.
Variant type: single nucleotide variant.
Coding change: c.5032A>C on transcript NM_001164508.2 (MANE Select); coding-DNA position 5032, A replaced by C.
Protein change: p.Asn1678His; replaces asparagine 1678 with histidine.
Molecular consequence: missense variant.
Genome position (GRCh38, 1-based): chr2:151,665,539, T>G on the plus strand (A>C on the coding strand, the complement: NEB is on the minus strand). VCF-style: chr2-151665539-T-G. GRCh37 (hg19) VCF-style: chr2-152522053-T-G.
Other names: c.5032A>C, p.Asn1678His (NM_001164507.2, NM_001271208.2, NM_004543.5); short protein forms N1678H.
Identifiers: ClinVar variation 2443403 (VCV002443403.1), dbSNP rs2552257877, ClinGen allele CA348812476.

ClinVar aggregate classification (germline): Uncertain significance (1 of 4 stars; one submission).

gnomAD v4.1: 1 of 1,577,926 alleles (0.000063%); highest among the groups gnomAD compares: Non-Finnish European, 0.000086%; no homozygotes.

Submission:

GeneDx
Classification: Uncertain significance. Last evaluated: 2022-09-12. Review status: criteria provided, single submitter. Criteria: GeneDx Variant Classification Process June 2021. Collection method: clinical testing. Allele origin: germline. Affected: yes.
Comment: Not observed at significant frequency in large population cohorts (gnomAD); In silico analysis supports that this missense variant does not alter protein structure/function; Has not been previously published as pathogenic or benign to our knowledge